The following is an entry in ClinVar:

ClinVar aggregate classification (germline): Uncertain significance. Review status: criteria provided, multiple submitters, no conflicts (2 of 4 stars). 3 submissions from 3 submitters: Uncertain significance (3). Last evaluated 2026-04-07.

Conditions:
Saldino-Mainzer syndrome (SRTD9). Also called: Renal dysplasia, retinal pigmentary dystrophy, cerebellar ataxia and skeletal dysplasia; SHORT-RIB THORACIC DYSPLASIA 9 WITHOUT POLYDACTYLY; short-rib thoracic dysplasia 9 with or without polydactyly; CONORENAL SYNDROME. Identifiers: Orphanet 140969, MedGen C1849437, MONDO:0009964, OMIM 266920.
IFT140-related disorder. Also called: IFT140-related condition.

Allele frequency attached by ClinVar (database versions not stated): gnomAD 0.00001; gnomAD exomes 0.00001; TOPMed 0.00001.
gnomAD v4.1: 17 of 1,614,054 alleles (0.0011%); highest among the groups gnomAD compares: South Asian, 0.0022%; no homozygotes.

Submissions (3):

PreventionGenetics, part of Exact Sciences
Classification: Uncertain significance for IFT140-related condition. Last evaluated: 2026-04-07. Review status: criteria provided, single submitter. Criteria: ACMG Guidelines, 2015. Collection method: clinical testing. Allele origin: germline.
Comment: The IFT140 c.3685G>A variant is predicted to result in the amino acid substitution p.Gly1229Arg. This substitution was reported in a study of matching variants for functional characterization of genetic variants and the equivalent genetic variant in C. elegans as G1205E was experimentally suggested to be likely benign (Cevik et al. 2023. PubMed ID: 37933433). Of note, a different substitution at the same codon, defined as c.3686G>T (p.Gly1229Val), was reported in a genetic study of syndromic retinal diseases (Suppl. Table S7, Perea-Romero et al. 2021. PubMed ID: 34448047). The c.3685G>A (p.Gly1229Arg) variant is reported in 0.0033% of alleles in individuals of South Asian descent in gnomAD. At this time, the clinical significance of this variant is uncertain due to the absence of conclusive functional and genetic evidence.

Blueprint Genetics
Classification: Uncertain significance. Last evaluated: 2023-12-07. Review status: criteria provided, single submitter. Criteria: ACMG Guidelines, 2015. Collection method: clinical testing. Allele origin: germline.

Illumina Laboratory Services, Illumina
Classification: Uncertain significance for Saldino-Mainzer syndrome. Last evaluated: 2018-01-13. Review status: criteria provided, single submitter. Criteria: ICSL Variant Classification Criteria 13 December 2019. Collection method: clinical testing. Allele origin: germline.

NM_014714.4(IFT140):c.3685G>A (p.Gly1229Arg)

Gene: IFT140 (intraflagellar transport 140; minus strand). Cytogenetic location: 16p13.3.
Variant type: single nucleotide variant.
Coding change: c.3685G>A on transcript NM_014714.4 (MANE Select); coding-DNA position 3685, G replaced by A.
Protein change: p.Gly1229Arg; replaces glycine 1229 with arginine.
Molecular consequence: missense variant.
Genome position (GRCh38, 1-based): chr16:1,520,319, C>T on the plus strand (G>A on the coding strand, the complement: IFT140 is on the minus strand). VCF-style: chr16-1520319-C-T. GRCh37 (hg19) VCF-style: chr16-1570320-C-T.
Other names: short protein forms G1229R.
Identifiers: ClinVar variation 885442 (VCV000885442.6), dbSNP rs1203959141, ClinGen allele CA394224627.
Genomic context (GRCh38, chr16:1,520,319, plus strand): 5'-TGATGTAGATTTCCTTCTGCCTGGACACGCTCGCGAAGAACGTGATTTTCTCCGTGTCTC[C>T]GGATTTGAGCAGCGCCCTCATGGCCTAGGCAGAGAGACAGCGGGGCTCAGGCAAGCAGGG-3'
Protein context (NP_055529.2, residues 1219-1239): LKAMRALLKS[Gly1229Arg]DTEKITFFAS